The following is an entry in ClinVar:

NM_003000.3(SDHB):c.44C>A (p.Ala15Asp)

Gene: SDHB (succinate dehydrogenase complex iron sulfur subunit B; minus strand). Cytogenetic location: 1p36.13.
Variant type: single nucleotide variant.
Coding change: c.44C>A on transcript NM_003000.3 (MANE Select); coding-DNA position 44, C replaced by A.
Protein change: p.Ala15Asp; replaces alanine 15 with aspartic acid.
Molecular consequence: missense variant.
Genome position (GRCh38, 1-based): chr1:17,053,976, G>T on the plus strand (C>A on the coding strand, the complement: SDHB is on the minus strand). VCF-style: chr1-17053976-G-T. GRCh37 (hg19) VCF-style: chr1-17380471-G-T.
Other names: c.44C>A, p.Ala15Asp (NM_001407361.1); short protein forms A15D.
Identifiers: ClinVar variation 3438765 (VCV003438765.1).

ClinVar aggregate classification (germline): Uncertain significance (1 of 4 stars; one submission).

Conditions:
Hereditary cancer-predisposing syndrome. Also called: Tumor predisposition; Neoplastic Syndromes, Hereditary; Hereditary neoplastic syndrome; Hereditary Cancer Syndrome. Identifiers: Orphanet 140162, MedGen C0027672, MeSH D009386, MONDO:0015356.

Submission:

Ambry Genetics
Classification: Uncertain significance for Hereditary cancer-predisposing syndrome. Last evaluated: 2024-10-14. Review status: criteria provided, single submitter. Criteria: Ambry Variant Classification Scheme 2023. Collection method: clinical testing. Allele origin: germline.
Comment: The p.A15D variant (also known as c.44C>A), located in coding exon 1 of the SDHB gene, results from a C to A substitution at nucleotide position 44. The alanine at codon 15 is replaced by aspartic acid, an amino acid with dissimilar properties. This amino acid position is conserved. In addition, the in silico prediction for this alteration is inconclusive. Based on the available evidence, the clinical significance of this variant remains unclear.